The following is an entry in ClinVar:

ClinVar aggregate classification (germline): Uncertain significance (1 of 4 stars; one submission).

Submission:

GeneDx
Classification: Uncertain significance. Last evaluated: 2024-01-02. Review status: criteria provided, single submitter. Criteria: GeneDx Variant Classification Process June 2021. Collection method: clinical testing. Allele origin: germline. Affected: yes.
Comment: Not observed at significant frequency in large population cohorts (gnomAD); In silico analysis supports that this missense variant has a deleterious effect on protein structure/function; Has not been previously published as pathogenic or benign to our knowledge

NM_144991.3(TSPEAR):c.466C>T (p.Arg156Cys)

Gene: TSPEAR (thrombospondin type laminin G domain and EAR repeats; minus strand). Cytogenetic location: 21q22.3.
Variant type: single nucleotide variant.
Coding change: c.466C>T on transcript NM_144991.3 (MANE Select); coding-DNA position 466, C replaced by T.
Protein change: p.Arg156Cys; replaces arginine 156 with cysteine.
Molecular consequence: missense variant.
Genome position (GRCh38, 1-based): chr21:44,533,761, G>A on the plus strand (C>T on the coding strand, the complement: TSPEAR is on the minus strand). VCF-style: chr21-44533761-G-A. GRCh37 (hg19) VCF-style: chr21-45953644-G-A.
Other names: c.262C>T, p.Arg88Cys (NM_001272037.2); short protein forms R156C, R88C.
Identifiers: ClinVar variation 3367339 (VCV003367339.1).